The following is an entry in ClinVar:

ClinVar aggregate classification (germline): Uncertain significance. Review status: criteria provided, multiple submitters, no conflicts (2 of 4 stars). 3 submissions from 3 submitters: Uncertain significance (3). Last evaluated 2024-02-19.

Conditions:
Familial cancer of breast. Also called: BREAST CANCER, FAMILIAL; Hereditary breast cancer; hereditary breast carcinoma. Identifiers: Orphanet 227535, MedGen C0346153, MONDO:0016419, OMIM 114480. Disease mechanism: loss of function.
Ataxia-telangiectasia syndrome (AT). Also called: Ataxia-telangiectasia, complementation group E; Ataxia telangiectasia (A-T); LOUIS-BAR SYNDROME; ATAXIA-TELANGIECTASIA, FRESNO VARIANT; AT, COMPLEMENTATION GROUP C; Ataxia-telangiectasia. Identifiers: Orphanet 100, MedGen C0004135, MONDO:0008840, OMIM 208900.

Submissions (3):

Baylor Genetics
Classification: Uncertain significance for Familial cancer of breast. Last evaluated: 2024-02-19. Review status: criteria provided, single submitter. Criteria: ACMG Guidelines, 2015. Collection method: clinical testing. Allele origin: unknown.

Labcorp Genetics (formerly Invitae), Labcorp
Classification: Uncertain significance for Ataxia-telangiectasia syndrome. Last evaluated: 2020-05-03. Review status: criteria provided, single submitter. Criteria: Invitae Variant Classification Sherloc (09022015). Collection method: clinical testing. Allele origin: germline.
Comment: This sequence change replaces aspartic acid with histidine at codon 658 of the ATM protein (p.Asp658His). The aspartic acid residue is moderately conserved and there is a moderate physicochemical difference between aspartic acid and histidine. This variant is not present in population databases (ExAC no frequency). This variant has not been reported in the literature in individuals with ATM-related conditions. Algorithms developed to predict the effect of missense changes on protein structure and function are either unavailable or do not agree on the potential impact of this missense change (SIFT: "Tolerated"; PolyPhen-2: "Probably Damaging"; Align-GVGD: "Class C0"). In summary, the available evidence is currently insufficient to determine the role of this variant in disease. Therefore, it has been classified as a Variant of Uncertain Significance.

GeneDx
Classification: Uncertain significance. Last evaluated: 2020-03-17. Review status: criteria provided, single submitter. Criteria: GeneDx Variant Classification Process June 2021. Collection method: clinical testing. Allele origin: germline. Affected: yes.
Comment: Not observed in large population cohorts (Lek 2016); In silico analysis supports that this missense variant does not alter protein structure/function; Has not been previously published as pathogenic or benign to our knowledge

NM_000051.4(ATM):c.1972G>C (p.Asp658His)

Gene: ATM (ATM serine/threonine kinase; plus strand). Cytogenetic location: 11q22.3.
Variant type: single nucleotide variant.
Coding change: c.1972G>C on transcript NM_000051.4 (MANE Select); coding-DNA position 1972, G replaced by C.
Protein change: p.Asp658His; replaces aspartic acid 658 with histidine.
Molecular consequence: missense variant.
Genome position (GRCh38, 1-based): chr11:108,253,887, G>C. VCF-style: chr11-108253887-G-C. GRCh37 (hg19) VCF-style: chr11-108124614-G-C.
Other names: c.1972G>C, p.Asp658His (NM_001351834.2); short protein forms D658H.
Identifiers: ClinVar variation 942615 (VCV000942615.12), dbSNP rs1343017824, ClinGen allele CA382536834.